The following is an entry in ClinVar:

ClinVar aggregate classification (germline): Pathogenic. Review status: no assertion criteria provided (0 of 4 stars). 2 submissions from 2 submitters: Pathogenic (2). Last evaluated 2013-04-18.

Conditions:
Deficiency of ferroxidase (ACEP). Also called: Aceruloplasminemia; Deficiency of ceruloplasmin; Ceruloplasmin deficiency; Familial apoceruloplasmin deficiency; Hereditary ceruloplasmin deficiency; NEURODEGENERATION WITH BRAIN IRON ACCUMULATION 10. Identifiers: Orphanet 48818, MedGen C0878682, MONDO:0011426, OMIM 604290, HP:0025498.

Submissions (2):

GeneReviews
Classification: Pathogenic for Aceruloplasminemia. Last evaluated: 2013-04-18. Review status: no assertion criteria provided. Collection method: curation. Allele origin: unknown.
ClinVar note: Converted during submission from pathologic to Pathogenic.

OMIM
Classification: Pathogenic for ACERULOPLASMINEMIA. Last evaluated: 1996-06-01. Review status: no assertion criteria provided. Collection method: literature only. Allele origin: germline.

Literature cited by the submitters: PubMed 8641692 (cited by OMIM).

NM_000096.4(CP):c.606dup (p.Asp203fs)

Gene: CP (ceruloplasmin; minus strand). Cytogenetic location: 3q25.1.
Variant type: Duplication.
Coding change: c.606dup on transcript NM_000096.4 (MANE Select); coding-DNA position 606, one base duplicated (A; older notation c.606dupA).
Protein change: p.Asp203fs; shifts the reading frame from aspartic acid 203.
Molecular consequence: frameshift variant. On other transcripts: non-coding transcript variant (1).
Genome position (GRCh38, 1-based): chr3:149,210,168, T duplicated on the plus strand (A on the coding strand, the reverse complement: CP is on the minus strand); the first of 6 consecutive T bases (chr3:149,210,168-149,210,173); duplicating any one gives the same sequence. VCF-style (leftmost placement, unchanged base first): chr3-149210167-C-CT. GRCh37 (hg19) VCF-style: chr3-148927954-C-CT.
Other names: c.607insA; short protein forms D203fs.
Identifiers: ClinVar variation 17563 (VCV000017563.5), dbSNP rs386134143, ClinGen allele CA127260.